The following is an entry in ClinVar:

NM_000108.5(DLD):c.1068del (p.Val357fs)

Gene: DLD (dihydrolipoamide dehydrogenase; plus strand). Cytogenetic location: 7q31.1.
Variant type: Deletion.
Coding change: c.1068del on transcript NM_000108.5 (MANE Select); coding-DNA position 1068, one base deleted (A; older notation c.1068delA).
Protein change: p.Val357fs; shifts the reading frame from valine 357.
Molecular consequence: frameshift variant.
Genome position (GRCh38, 1-based): chr7:107,917,294, A deleted. VCF-style (leftmost placement, unchanged base first): chr7-107917293-TA-T. GRCh37 (hg19) VCF-style: chr7-107557738-TA-T.
Other names: c.771del, p.Val258fs (NM_001289750.1); c.999del, p.Val334fs (NM_001289751.1); c.924del, p.Val309fs (NM_001289752.1); short protein forms V258fs, V309fs, V334fs, V357fs.
Identifiers: ClinVar variation 5011743 (VCV005011743.1).

ClinVar aggregate classification (germline): Pathogenic (1 of 4 stars; one submission).

Conditions:
Pyruvate dehydrogenase E3 deficiency (DLDD). Also called: Lipoamide dehydrogenase deficiency, lactic acidosis due to; Lipoamide dehydrogenase deficiency; Dihydrolipoamide Dehydrogenase Deficiency; MAPLE SYRUP URINE DISEASE, TYPE III; Dihydrolipoamide Dehydrogenase (E3) Deficiency; DLD DEFICIENCY. Identifiers: Orphanet 2394, Orphanet 765, MedGen C5574660, MONDO:0009529, OMIM 246900.

Submission:

Myriad Genetics, Inc.
Classification: Pathogenic for Pyruvate dehydrogenase E3 deficiency. Last evaluated: 2023-09-27. Review status: criteria provided, single submitter. Criteria: Myriad Autosomal Dominant, Autosomal Recessive and X-Linked Classification Criteria (2023). Collection method: clinical testing. Allele origin: unknown.
Comment: NM_000108.3(DLD):c.1068delA(V357Lfs*36) is expected to be pathogenic in the context of dihydrolipoamide dehydrogenase deficiency. This variant is predicted to lead to an abnormal or absent protein product due to the creation of a premature termination codon in DLD, a gene where loss-of-function variants are known to be pathogenic. Please note: this variant was assessed in the context of healthy population screening.